The following is an entry in ClinVar:

ClinVar aggregate classification (germline): Likely pathogenic (1 of 4 stars; one submission).

Conditions:
Hereditary factor VIII deficiency disease (HEMA). Also called: HEMOPHILIA, CLASSIC; AUTOSOMAL HEMOPHILIA A; Hemophilia A; Hemophilia A, congenital; HEM A; Factor 8 deficiency, congenital. Identifiers: Orphanet 98878, MedGen C0019069, MONDO:0010602, OMIM 306700.

Submission:

ARUP Laboratories, Molecular Genetics and Genomics, ARUP Laboratories
Classification: Likely pathogenic for Hereditary factor VIII deficiency disease. Last evaluated: 2021-01-14. Review status: criteria provided, single submitter. Criteria: ARUP Molecular Germline Variant Investigation Process 2021. Collection method: clinical testing. Allele origin: germline.
Comment: The F8 c.6975delT; p.Arg2326GlufsTer13 variant, to our knowledge, is not reported in the medical literature or gene-specific databases. This variant is also absent from general population databases (Exome Variant Server, Genome Aggregation Database), indicating it is not a common polymorphism. This variant results in a frameshift in the last exon of the F8 gene. While this may not lead to nonsense-mediated decay, it is expected to create a truncated protein that would include a sequence of 13 amino acid residues not usually present. Additionally, truncating variants at Arg2326 or downstream have been described in individuals with hemophilia A and are considered pathogenic (Goodeve 2000, Ravanbod 2012, Factor VIII database and references therein). Based on available information, this variant is considered to be likely pathogenic. References: Factor VIII variant database: Goodeve AC et al. Relationship between factor VIII mutation type and inhibitor development in a cohort of previously untreated patients treated with recombinant factor VIII (Recombinate). Recombinate PUP Study Group. Thromb Haemost. 2000 Jun;83(6):844-8. Ravanbod S et al. Identification of 123 previously unreported mutations in the F8 gene of Iranian patients with haemophilia A. Haemophilia. 2012 May;18(3):e340-6.

NM_000132.4(F8):c.6975del (p.Arg2326fs)

Gene: F8 (coagulation factor VIII; minus strand). Cytogenetic location: Xq28.
Variant type: Deletion.
Coding change: c.6975del on transcript NM_000132.4 (MANE Select); coding-DNA position 6975, one base deleted (T; older notation c.6975delT).
Protein change: p.Arg2326fs; shifts the reading frame from arginine 2326.
Molecular consequence: frameshift variant.
Genome position (GRCh38, 1-based): chrX:154,837,678, A deleted on the plus strand (T on the coding strand, the reverse complement: F8 is on the minus strand); the first of 2 consecutive A bases (chrX:154,837,678-154,837,679); deleting either gives the same sequence. VCF-style (leftmost placement, unchanged base first): chrX-154837677-GA-G. GRCh37 (hg19) VCF-style: chrX-154065952-GA-G.
Other names: c.570del, p.Arg191fs (NM_019863.3); short protein forms R191fs, R2326fs.
Identifiers: ClinVar variation 1331083 (VCV001331083.7), dbSNP rs2148555575, ClinGen allele CA2573055171.
Genomic context (GRCh38, chrX:154,837,677, plus strand): 5'-CGCAGCCCAGAACCTCCATCCTCAGGGCAATCTGGTGCACCCAACTCTGGGGGTGAATTC[GA>G]AGGTAGCGAGTCAGTAACGGTGGGTCTAGAGAGTTCACCACAGGTGTGAAGGAGTCTTGA-3'